The following is an entry in ClinVar:

ClinVar aggregate classification (germline): Likely benign (1 of 4 stars; one submission).

Conditions:
Megalencephaly-polymicrogyria-postaxial polydactyly-hydrocephalus syndrome. Also called: MPPH Syndrome; MEG-PMG-MEGACC SYNDROME. Identifiers: Orphanet 83473, MedGen C1863924, MONDO:0019375.
Megalencephaly-polymicrogyria-polydactyly-hydrocephalus syndrome 1 (MPPH1). Also called: MEGALENCEPHALY, MEGA CORPUS CALLOSUM, AND COMPLETE LACK OF MOTOR DEVELOPMENT; MEGALENCEPHALY, POLYMICROGYRIA, MEGA CORPUS CALLOSUM SYNDROME. Identifiers: Orphanet 83473, MedGen C4012727, MONDO:0011313, OMIM 603387.

Allele frequency attached by ClinVar (database versions not stated): ExAC 0.00003; gnomAD exomes 0.00003 and 0.00004; gnomAD 0.00006; TOPMed 0.00006.

Submission:

Labcorp Genetics (formerly Invitae), Labcorp
Classification: Likely benign for Megalencephaly-polymicrogyria-postaxial polydactyly-hydrocephalus syndrome. Last evaluated: 2025-10-08. Review status: criteria provided, single submitter. Criteria: Invitae Variant Classification Sherloc (09022015). Collection method: clinical testing. Allele origin: germline.

NM_005027.4(PIK3R2):c.379C>T (p.Leu127Phe)

Gene: PIK3R2 (phosphoinositide-3-kinase regulatory subunit 2; plus strand). Cytogenetic location: 19p13.11.
Variant type: single nucleotide variant.
Coding change: c.379C>T on transcript NM_005027.4 (MANE Select); coding-DNA position 379, C replaced by T.
Protein change: p.Leu127Phe; replaces leucine 127 with phenylalanine.
Molecular consequence: missense variant. On other transcripts: non-coding transcript variant (2).
Genome position (GRCh38, 1-based): chr19:18,160,527, C>T. VCF-style: chr19-18160527-C-T. GRCh37 (hg19) VCF-style: chr19-18271337-C-T.
Other names: short protein forms L127F.
Identifiers: ClinVar variation 684555 (VCV000684555.6), dbSNP rs542398089, ClinGen allele CA9306730.